The following is an entry in ClinVar:

NM_001040108.2(MLH3):c.2767T>C (p.Phe923Leu)

Gene: MLH3 (mutL homolog 3; minus strand). Cytogenetic location: 14q24.3.
Variant type: single nucleotide variant.
Coding change: c.2767T>C on transcript NM_001040108.2 (MANE Select); coding-DNA position 2767, T replaced by C.
Protein change: p.Phe923Leu; replaces phenylalanine 923 with leucine.
Molecular consequence: missense variant.
Genome position (GRCh38, 1-based): chr14:75,046,889, A>G on the plus strand (T>C on the coding strand, the complement: MLH3 is on the minus strand). VCF-style: chr14-75046889-A-G. GRCh37 (hg19) VCF-style: chr14-75513592-A-G.
Other names: c.2767T>C, p.Phe923Leu (NM_014381.3); short protein forms F923L.
Identifiers: ClinVar variation 1795756 (VCV001795756.2), dbSNP rs2503261654, ClinGen allele CA390438619.

ClinVar aggregate classification (germline): Uncertain significance (1 of 4 stars; one submission).

Submission:

Ambry Genetics
Classification: Uncertain significance. Last evaluated: 2022-04-09. Review status: criteria provided, single submitter. Criteria: Ambry Variant Classification Scheme 2023. Collection method: clinical testing. Allele origin: germline.
Comment: The p.F923L variant (also known as c.2767T>C), located in coding exon 1 of the MLH3 gene, results from a T to C substitution at nucleotide position 2767. The phenylalanine at codon 923 is replaced by leucine, an amino acid with highly similar properties. This amino acid position is conserved. In addition, this alteration is predicted to be tolerated by in silico analysis. Since supporting evidence is limited at this time, the clinical significance of this alteration remains unclear.